The following is an entry in ClinVar:

ClinVar aggregate classification (germline): Uncertain significance (1 of 4 stars; one submission).

Allele frequency attached by ClinVar (database versions not stated): gnomAD exomes below 0.00001.
gnomAD v4.1: 3 of 1,614,212 alleles (0.00019%); highest among the groups gnomAD compares: Non-Finnish European, 0.00025%; no homozygotes.

Submission:

Labcorp Genetics (formerly Invitae), Labcorp
Classification: Uncertain significance. Last evaluated: 2023-12-09. Review status: criteria provided, single submitter. Criteria: Invitae Variant Classification Sherloc (09022015). Collection method: clinical testing. Allele origin: germline.
Comment: This sequence change replaces serine, which is neutral and polar, with phenylalanine, which is neutral and non-polar, at codon 464 of the COL7A1 protein (p.Ser464Phe). This variant is not present in population databases (gnomAD no frequency). This variant has not been reported in the literature in individuals affected with COL7A1-related conditions. Advanced modeling of protein sequence and biophysical properties (such as structural, functional, and spatial information, amino acid conservation, physicochemical variation, residue mobility, and thermodynamic stability) performed at Invitae indicates that this missense variant is not expected to disrupt COL7A1 protein function with a negative predictive value of 95%. In summary, the available evidence is currently insufficient to determine the role of this variant in disease. Therefore, it has been classified as a Variant of Uncertain Significance.

NM_000094.4(COL7A1):c.1391C>T (p.Ser464Phe)

Gene: COL7A1 (collagen type VII alpha 1 chain; minus strand). Cytogenetic location: 3p21.31.
Variant type: single nucleotide variant.
Coding change: c.1391C>T on transcript NM_000094.4 (MANE Select); coding-DNA position 1391, C replaced by T.
Protein change: p.Ser464Phe; replaces serine 464 with phenylalanine.
Molecular consequence: missense variant.
Genome position (GRCh38, 1-based): chr3:48,591,789, G>A on the plus strand (C>T on the coding strand, the complement: COL7A1 is on the minus strand). VCF-style: chr3-48591789-G-A. GRCh37 (hg19) VCF-style: chr3-48629222-G-A.
Other names: short protein forms S464F.
Identifiers: ClinVar variation 2899450 (VCV002899450.3), dbSNP rs2531315334, ClinGen allele CA352734918.
Genomic context (GRCh38, chr3:48,591,789, plus strand): 5'-AGTGTGAGGCGGTACTCAGTGCCCGGCTGCAGCCCATCCAACTGGTAGCGGGTCACATCA[G>A]AGGGCAGTACCACCTTCTGCGGTGGCTCCAAGCCTGCAAGATAACAGGGTCAGACCAGCA-3'
Protein context (NP_000085.1, residues 454-474): LEPPQKVVLP[Ser464Phe]DVTRYQLDGL